The following is an entry in ClinVar:

NM_203447.4(DOCK8):c.1517-11TC[2]

Gene: DOCK8 (dedicator of cytokinesis 8; plus strand). Cytogenetic location: 9p24.3.
Variant type: Microsatellite.
Coding change: c.1517-11TC[2] on transcript NM_203447.4 (MANE Select); two copies in a row of the 2-base unit TC starting at c.1517-11.
Molecular consequence: intron variant.
Genome position: GRCh38 VCF-style: chr9-340147-TTC-T. GRCh37 (hg19) VCF-style: chr9-340147-TTC-T.
Other names: c.1313-11TC[2] (NM_001193536.2, NM_001190458.2); c.1517-6_1517-5delCT (NM_203447.3).
Identifiers: ClinVar variation 420410 (VCV000420410.1), dbSNP rs1064794460, ClinGen allele CA16618850.

ClinVar aggregate classification (germline): Likely benign (1 of 4 stars; one submission).

Submission:

GeneDx
Classification: Likely benign. Last evaluated: 2016-02-10. Review status: criteria provided, single submitter. Criteria: GeneDx Variant Classification (06012015). Collection method: clinical testing. Allele origin: germline. Affected: yes.
Comment: This variant is considered likely benign or benign based on one or more of the following criteria: it is a conservative change, it occurs at a poorly conserved position in the protein, it is predicted to be benign by multiple in silico algorithms, and/or has population frequency not consistent with disease.